The following is an entry in ClinVar:

NM_001792.5(CDH2):c.1114G>A (p.Val372Met)

Gene: CDH2 (cadherin 2; minus strand). Cytogenetic location: 18q12.1.
Variant type: single nucleotide variant.
Coding change: c.1114G>A on transcript NM_001792.5 (MANE Select); coding-DNA position 1114, G replaced by A.
Protein change: p.Val372Met; replaces valine 372 with methionine.
Molecular consequence: missense variant.
Genome position (GRCh38, 1-based): chr18:27,993,544, C>T on the plus strand (G>A on the coding strand, the complement: CDH2 is on the minus strand). VCF-style: chr18-27993544-C-T. GRCh37 (hg19) VCF-style: chr18-25573508-C-T.
Other names: c.1021G>A, p.Val341Met (NM_001308176.2); short protein forms V372M, V341M.
Identifiers: ClinVar variation 5009256 (VCV005009256.1).

ClinVar aggregate classification (germline): Uncertain significance (1 of 4 stars; one submission).

gnomAD v4.1: 2 of 1,614,144 alleles (0.00012%); highest among the groups gnomAD compares: Non-Finnish European, 0.00017%; no homozygotes.

Submission:

GeneDx
Classification: Uncertain significance. Last evaluated: 2026-03-15. Review status: criteria provided, single submitter. Criteria: GeneDx Variant Classification Process June 2021. Collection method: clinical testing. Allele origin: germline.
Comment: Not observed at significant frequency in large population cohorts (gnomAD); In silico analysis suggests that this missense variant does not alter protein structure/function; Has not been previously published as pathogenic or benign to our knowledge